The following is an entry in ClinVar:

ClinVar aggregate classification (germline): Uncertain significance. Review status: criteria provided, multiple submitters, no conflicts (2 of 4 stars). 3 submissions from 3 submitters: Uncertain significance (2). 1 of the submissions does not count toward it. Last evaluated 2025-06-28.

Conditions:
Hereditary cancer-predisposing syndrome. Also called: Hereditary Cancer Syndrome; Neoplastic Syndromes, Hereditary; Hereditary neoplastic syndrome; Tumor predisposition. Identifiers: Orphanet 140162, MedGen C0027672, MeSH D009386, MONDO:0015356.
Fumarase deficiency (FMRD). Also called: Fumarate Hydratase Deficiency; Fumaric aciduria. Identifiers: Orphanet 24, MedGen C0342770, MONDO:0011730, OMIM 606812.

Allele frequency attached by ClinVar (database versions not stated): gnomAD below 0.00001 and 0.00001; gnomAD exomes below 0.00001 and 0.00001.
gnomAD v4.1: 10 of 1,614,132 alleles (0.00062%); highest among the groups gnomAD compares: South Asian, 0.0099%; no homozygotes.

Submissions (3):

Ambry Genetics
Classification: Uncertain significance for Hereditary cancer-predisposing syndrome. Last evaluated: 2025-06-28. Review status: criteria provided, single submitter. Criteria: Ambry Variant Classification Scheme 2023. Collection method: clinical testing. Allele origin: germline.
Comment: The p.I357T variant (also known as c.1070T>C), located in coding exon 7 of the FH gene, results from a T to C substitution at nucleotide position 1070. The isoleucine at codon 357 is replaced by threonine, an amino acid with similar properties. This amino acid position is highly conserved in available vertebrate species. In addition, this alteration is predicted to be deleterious by in silico analysis. Since supporting evidence is limited at this time, the clinical significance of this alteration remains unclear.

Labcorp Genetics (formerly Invitae), Labcorp
Classification: Uncertain significance. Last evaluated: 2023-11-17. Review status: criteria provided, single submitter. Criteria: Invitae Variant Classification Sherloc (09022015). Collection method: clinical testing. Allele origin: germline.
Comment: This sequence change replaces isoleucine, which is neutral and non-polar, with threonine, which is neutral and polar, at codon 357 of the FH protein (p.Ile357Thr). This variant is present in population databases (no rsID available, gnomAD 0.003%). This variant has not been reported in the literature in individuals affected with FH-related conditions. ClinVar contains an entry for this variant (Variation ID: 822113). Advanced modeling of protein sequence and biophysical properties (such as structural, functional, and spatial information, amino acid conservation, physicochemical variation, residue mobility, and thermodynamic stability) performed at Invitae indicates that this missense variant is not expected to disrupt FH protein function with a negative predictive value of 95%. In summary, the available evidence is currently insufficient to determine the role of this variant in disease. Therefore, it has been classified as a Variant of Uncertain Significance.

Natera, Inc.
Classification: Uncertain significance for Fumarase deficiency. Last evaluated: 2020-09-16. Review status: no assertion criteria provided. Collection method: clinical testing. Allele origin: germline. Not counted in ClinVar's aggregate classification.

NM_000143.4(FH):c.1070T>C (p.Ile357Thr)

Gene: FH (fumarate hydratase; minus strand). Cytogenetic location: 1q43.
Variant type: single nucleotide variant.
Coding change: c.1070T>C on transcript NM_000143.4 (MANE Select); coding-DNA position 1070, T replaced by C.
Protein change: p.Ile357Thr; replaces isoleucine 357 with threonine.
Molecular consequence: missense variant.
Genome position (GRCh38, 1-based): chr1:241,504,080, A>G on the plus strand (T>C on the coding strand, the complement: FH is on the minus strand). VCF-style: chr1-241504080-A-G. GRCh37 (hg19) VCF-style: chr1-241667380-A-G.
Other names: short protein forms I357T.
Identifiers: ClinVar variation 822113 (VCV000822113.11), dbSNP rs1388251431, ClinGen allele CA345438056.